The following is an entry in ClinVar:

ClinVar aggregate classification (germline): Uncertain significance. Review status: criteria provided, multiple submitters, no conflicts (2 of 4 stars). 2 submissions from 2 submitters: Uncertain significance (2). Last evaluated 2024-01-07.

Conditions:
Intellectual developmental disorder, X-linked 90. Also called: DLG3-Related X-Linked Nonsyndromic Mental Retardation; Intellectual disability, X-linked 90. Identifiers: Orphanet 777, MedGen C3275443, MONDO:0010452, OMIM 300850.

Submissions (2):

GeneDx
Classification: Uncertain significance. Last evaluated: 2024-01-07. Review status: criteria provided, single submitter. Criteria: GeneDx Variant Classification Process June 2021. Collection method: clinical testing. Allele origin: germline. Affected: yes.
Comment: Not observed at significant frequency in large population cohorts (gnomAD); In silico analysis supports a deleterious effect on splicing; This variant is associated with the following publications: (PMID: Huang2022[CaseReport])

Victorian Clinical Genetics Services, Murdoch Childrens Research Institute
Classification: Uncertain significance for Intellectual developmental disorder, X-linked 90. Last evaluated: 2023-07-17. Review status: criteria provided, single submitter. Criteria: ACMG Guidelines, 2015. Collection method: clinical testing. Allele origin: germline. Inheritance: X-linked recessive inheritance. Affected: yes.
Comment: Based on the classification scheme VCGS_Germline_v1.3.4, this variant is classified as a VUS-3A. Following criteria are met: 0102 - Loss of function is a known mechanism of disease in this gene and is associated with X-linked DLG3-related intellectual disability 90 (MIM#300850). (I) 0109 - This gene is associated with X-linked recessive disease. (I) 0115 - Variants in this gene are known to have variable expressivity. Affected males display a range of cognitive impairments with some showing additional clinical features such as seizures, abnormal behavior and/or facial dysmorphisms while female carriers have been reported to have variable symptoms due to skewed X-inactivation (PMIDs: 28777483; 32021600. (I) 0212 - Non-canonical splice variant without proven consequence on splicing (no functional evidence available). (SP) 0253 – This variant is hemizygous. (I) 0301 - Variant is absent from gnomAD (both v2 and v3). (SP) 0508 - In silico predictions for abnormal splicing are inconclusive. While loss of the WT donor site was not predicted, gain of an additional downstream donor site was predicted; however, it is unclear if the new donor site will affect splicing. Additionally, the affected nucleotide is highly conserved. (I) 0600 - Variant is located in the annotated PDZ domain (DECIPHER). (I) 0705 - No comparable variants non-canonical splice variants have previous evidence for pathogenicity. (I) 0804 - This variant has previously been described as a variant of uncertain significance in one case with consistent phenotype despite being absent in the general population. This variant has been identified in one individual with intellectual disability and developmental delay (GeneDx personal communication). (I) 0903 - This variant has limited evidence for segregation with disease. (SP) 1007 - No published functional evidence has been identified for this variant. (I) 1208 - Inheritance information for this variant is not currently available in this individual. (I) Legend: (SP) - Supporting pathogenic, (I) - Information, (SB) - Supporting benign

Literature cited by the submitters: PubMed 28777483 (cited by Victorian Clinical Genetics Services, Murdoch Childrens Research Institute); PubMed 32021600 (cited by Victorian Clinical Genetics Services, Murdoch Childrens Research Institute).

NM_021120.4(DLG3):c.1302G>A (p.Ser434=)

Genes: DLG3 (discs large MAGUK scaffold protein 3; plus strand), DLG3-AS1 (DLG3 antisense RNA 1; minus strand). Cytogenetic location: Xq13.1.
Variant type: single nucleotide variant.
Coding change: c.1302G>A on transcript NM_021120.4 (MANE Select); coding-DNA position 1302, G replaced by A.
Protein change: p.Ser434=; no amino-acid change (serine 434 retained).
Molecular consequence: synonymous variant.
Genome position (GRCh38, 1-based): chrX:70,453,793, G>A. VCF-style: chrX-70453793-G-A. GRCh37 (hg19) VCF-style: chrX-69673643-G-A.
Other names: c.291G>A, p.Ser97= (NM_020730.3).
Identifiers: ClinVar variation 504038 (VCV000504038.5), dbSNP rs1555961898, ClinGen allele CA517021314.
Genomic context (GRCh38, chrX:70,453,793, plus strand): 5'-CCTGGCAGGAGGCCCAGCTGACCTGAGTGGGGAGCTGCGCAGGGGAGACCGGATCTTATC[G>A]GTGAGGAGACAAAGGAGAGGTGGGAGGATGGGAACTGTGCCAGTCTAAAATGGAGAGCGA-3'
Protein context (NP_066943.2, residues 424-444): GELRRGDRIL[Ser434=]VNGVNLRNAT